The following is an entry in ClinVar:

NM_000548.5(TSC2):c.1443+14C>A

Gene: TSC2 (TSC complex subunit 2; plus strand). Cytogenetic location: 16p13.3.
Variant type: single nucleotide variant.
Coding change: c.1443+14C>A on transcript NM_000548.5 (MANE Select); 14 bases into the intron after coding-DNA position 1443, C replaced by A.
Molecular consequence: intron variant.
Genome position (GRCh38, 1-based): chr16:2,063,067, C>A. VCF-style: chr16-2063067-C-A. GRCh37 (hg19) VCF-style: chr16-2113068-C-A.
Other names: c.1443+14C>A (NM_001114382.3, NM_021055.3, NM_001370405.1 and 3 more transcripts); c.1332+14C>A (NM_001318827.2); c.843+14C>A (NM_001318831.2); c.1296+14C>A (NM_001318829.2); c.1476+14C>A (NM_001318832.2).
Identifiers: ClinVar variation 507068 (VCV000507068.8), dbSNP rs753454333, ClinGen allele CA620373549.

ClinVar aggregate classification (germline): Likely benign. Review status: criteria provided, multiple submitters, no conflicts (2 of 4 stars). 2 submissions from 2 submitters: Likely benign (2). Last evaluated 2025-12-10.

Conditions:
Tuberous sclerosis 2 (TSC2). Identifiers: Orphanet 805, MedGen C1860707, MONDO:0013199, OMIM 613254.

Allele frequency attached by ClinVar (database versions not stated): TOPMed 0.00002.
gnomAD v4.1: 9 of 1,551,252 alleles (0.00058%); highest among the groups gnomAD compares: East Asian, 0.0049%; no homozygotes.

Submissions (2):

Labcorp Genetics (formerly Invitae), Labcorp
Classification: Likely benign for Tuberous sclerosis 2. Last evaluated: 2025-12-10. Review status: criteria provided, single submitter. Criteria: Invitae Variant Classification Sherloc (09022015). Collection method: clinical testing. Allele origin: germline.

GeneDx
Classification: Likely benign. Last evaluated: 2017-01-30. Review status: criteria provided, single submitter. Criteria: GeneDx Variant Classification (06012015). Collection method: clinical testing. Allele origin: germline. Affected: yes.
Comment: This variant is considered likely benign or benign based on one or more of the following criteria: it is a conservative change, it occurs at a poorly conserved position in the protein, it is predicted to be benign by multiple in silico algorithms, and/or has population frequency not consistent with disease.